The following is an entry in ClinVar:

ClinVar aggregate classification (germline): Uncertain significance (1 of 4 stars; one submission).

Conditions:
Myopathy, centronuclear, 2 (CNM2). Also called: MYOTUBULAR MYOPATHY, AUTOSOMAL RECESSIVE. Identifiers: Orphanet 169186, MedGen CN031787, MONDO:0009709, OMIM 255200.

gnomAD v4.1: 1 of 1,612,364 alleles (0.000062%); highest among the groups gnomAD compares: South Asian, 0.0011%; no homozygotes.

Submission:

Labcorp Genetics (formerly Invitae), Labcorp
Classification: Uncertain significance for Myopathy, centronuclear, 2. Last evaluated: 2025-08-17. Review status: criteria provided, single submitter. Criteria: Invitae Variant Classification Sherloc (09022015). Collection method: clinical testing. Allele origin: germline.
Comment: This sequence change replaces lysine, which is basic and polar, with arginine, which is basic and polar, at codon 7 of the BIN1 protein (p.Lys7Arg). This variant is present in population databases (no rsID available, gnomAD no frequency). This variant has not been reported in the literature in individuals affected with BIN1-related conditions. An algorithm developed to predict the effect of missense changes on protein structure and function (PolyPhen-2) suggests that this variant is likely to be tolerated. In summary, the available evidence is currently insufficient to determine the role of this variant in disease. Therefore, it has been classified as a Variant of Uncertain Significance.

NM_139343.3(BIN1):c.20A>G (p.Lys7Arg)

Gene: BIN1 (bridging integrator 1; minus strand). Cytogenetic location: 2q14.3.
Variant type: single nucleotide variant.
Coding change: c.20A>G on transcript NM_139343.3 (MANE Select); coding-DNA position 20, A replaced by G.
Protein change: p.Lys7Arg; replaces lysine 7 with arginine.
Molecular consequence: missense variant.
Genome position (GRCh38, 1-based): chr2:127,106,924, T>C on the plus strand (A>G on the coding strand, the complement: BIN1 is on the minus strand). VCF-style: chr2-127106924-T-C. GRCh37 (hg19) VCF-style: chr2-127864500-T-C.
Other names: c.20A>G, p.Lys7Arg (NM_001320632.2, NM_001320633.2, NM_001320640.2 and 10 more transcripts); short protein forms K7R.
Identifiers: ClinVar variation 4725532 (VCV004725532.1).